The following is an entry in ClinVar:

NM_002025.4(AFF2):c.208C>T (p.Arg70Ter)

Gene: AFF2 (ALF transcription elongation factor 2; plus strand). Cytogenetic location: Xq28.
Variant type: single nucleotide variant.
Coding change: c.208C>T on transcript NM_002025.4 (MANE Select); coding-DNA position 208, C replaced by T.
Protein change: p.Arg70Ter; replaces arginine 70 with a stop codon.
Molecular consequence: nonsense.
Genome position (GRCh38, 1-based): chrX:148,661,935, C>T. VCF-style: chrX-148661935-C-T. GRCh37 (hg19) VCF-style: chrX-147743456-C-T.
Other names: c.196C>T, p.Arg66Ter (NM_001169122.2, NM_001169123.2, NM_001169125.2); c.208C>T, p.Arg70Ter (NM_001169124.2); short protein forms R66*, R70*.
Identifiers: ClinVar variation 5015623 (VCV005015623.1).
Genomic context (GRCh38, chrX:148,661,935, plus strand): 5'-TCTCCTCCCACCCCCATCTTTTTGTTATTTTAGACAAACAAAGGTGATGCACTTGCCAAC[C>T]GAGTCCAGAACACGCTTGGAAACTATGATGAAATGAAGAATTTGCTAACTAACCATTCTA-3'

ClinVar aggregate classification (germline): Pathogenic (1 of 4 stars; one submission).

Conditions:
FRAXE. Also called: Fragile XE syndrome; FRAXE Syndrome; FRAXE intellectual disability; Intellectual developmental disorder, X-linked 109; Intellectual disability, X-linked, FRAXE type. Identifiers: Orphanet 100973, MedGen C0751157, MONDO:0010659, OMIM 309548. Disease mechanism: loss of function.

gnomAD v4.1: 3 of 1,204,704 alleles (0.00025%); highest among the groups gnomAD compares: Non-Finnish European, 0.00034%; no homozygotes.

Submission:

Myriad Genetics, Inc.
Classification: Pathogenic for FRAXE. Last evaluated: 2026-03-01. Review status: criteria provided, single submitter. Criteria: Myriad Autosomal Dominant, Autosomal Recessive and X-Linked Classification Criteria (2023). Collection method: clinical testing. Allele origin: unknown.
Comment: NM_002025.3(AFF2):c.208C>T(R70*) is expected to be pathogenic in the context of fragile XE syndrome. This variant is predicted to lead to an abnormal or absent protein product due to the creation of a premature termination codon in AFF2, a gene where loss-of-function variants are known to be pathogenic. Please note: this variant was assessed in the context of healthy population screening.